The following is an entry in ClinVar:

ClinVar aggregate classification (germline): Uncertain significance. Review status: criteria provided, multiple submitters, no conflicts (2 of 4 stars). 2 submissions from 2 submitters: Uncertain significance (2). Last evaluated 2025-04-18.

Conditions:
Inborn genetic diseases. Identifiers: MedGen C0950123, MeSH D030342.

Allele frequency attached by ClinVar (database versions not stated): gnomAD exomes 0.00001; gnomAD 0.00001; ExAC 0.00001; TOPMed 0.00005.
gnomAD v4.1: 8 of 1,614,046 alleles (0.0005%); highest among the groups gnomAD compares: Admixed American, 0.0083%; no homozygotes.

Submissions (2):

Ambry Genetics
Classification: Uncertain significance for Inborn genetic diseases. Last evaluated: 2025-04-18. Review status: criteria provided, single submitter. Criteria: Ambry Variant Classification Scheme 2023. Collection method: clinical testing. Allele origin: germline.

Labcorp Genetics (formerly Invitae), Labcorp
Classification: Uncertain significance. Last evaluated: 2024-12-02. Review status: criteria provided, single submitter. Criteria: Invitae Variant Classification Sherloc (09022015). Collection method: clinical testing. Allele origin: germline.
Comment: This sequence change replaces histidine, which is basic and polar, with aspartic acid, which is acidic and polar, at codon 2101 of the SZT2 protein (p.His2101Asp). This variant is present in population databases (rs752750491, gnomAD 0.006%). This variant has not been reported in the literature in individuals affected with SZT2-related conditions. ClinVar contains an entry for this variant (Variation ID: 664744). Invitae Evidence Modeling of protein sequence and biophysical properties (such as structural, functional, and spatial information, amino acid conservation, physicochemical variation, residue mobility, and thermodynamic stability) has been performed for this missense variant. However, the output from this modeling did not meet the statistical confidence thresholds required to predict the impact of this variant on SZT2 protein function. In summary, the available evidence is currently insufficient to determine the role of this variant in disease. Therefore, it has been classified as a Variant of Uncertain Significance.

NM_001365999.1(SZT2):c.6472C>G (p.His2158Asp)

Gene: SZT2 (SZT2 subunit of KICSTOR complex; plus strand). Cytogenetic location: 1p34.2.
Variant type: single nucleotide variant.
Coding change: c.6472C>G on transcript NM_001365999.1 (MANE Select); coding-DNA position 6472, C replaced by G.
Protein change: p.His2158Asp; replaces histidine 2158 with aspartic acid.
Molecular consequence: missense variant.
Genome position (GRCh38, 1-based): chr1:43,437,866, C>G. VCF-style: chr1-43437866-C-G. GRCh37 (hg19) VCF-style: chr1-43903537-C-G.
Other names: c.6301C>G, p.His2101Asp (NM_015284.4); short protein forms H2158D, H2101D.
Identifiers: ClinVar variation 664744 (VCV000664744.8), dbSNP rs752750491, ClinGen allele CA809901.